The following is an entry in ClinVar:

NM_004360.5(CDH1):c.636A>G (p.Gly212=)

Gene: CDH1 (cadherin 1; plus strand). Cytogenetic location: 16q22.1.
Variant type: single nucleotide variant.
Coding change: c.636A>G on transcript NM_004360.5 (MANE Select); coding-DNA position 636, A replaced by G.
Protein change: p.Gly212=; no amino-acid change (glycine 212 retained).
Molecular consequence: synonymous variant. On other transcripts: 5 prime UTR variant (2).
Genome position (GRCh38, 1-based): chr16:68,808,797, A>G. VCF-style: chr16-68808797-A-G. GRCh37 (hg19) VCF-style: chr16-68842700-A-G.
Other names: c.636A>G (LRG_301t1); c.636A>G, p.Gly212= (NM_001317184.2); c.-980A>G (NM_001317185.2); c.-1184A>G (NM_001317186.2).
Identifiers: ClinVar variation 187304 (VCV000187304.20), dbSNP rs758991562, ClinGen allele CA197301.

ClinVar aggregate classification (germline): Benign/Likely benign. Review status: criteria provided, multiple submitters, no conflicts (2 of 4 stars). 6 submissions from 6 submitters: Benign (1); Likely benign (5). Last evaluated 2026-01-21.

Conditions:
Familial cancer of breast. Also called: BREAST CANCER, FAMILIAL; Hereditary breast cancer; hereditary breast carcinoma. Identifiers: Orphanet 227535, MedGen C0346153, MONDO:0016419, OMIM 114480. Disease mechanism: loss of function.
Ovarian cancer. Also called: OVARIAN CANCER, SOMATIC. Identifiers: Orphanet 213500, MedGen C1140680, MONDO:0008170, OMIM 167000.
Hereditary diffuse gastric adenocarcinoma (HDGC). Also called: DIFFUSE GASTRIC AND LOBULAR BREAST CANCER SYNDROME. Identifiers: Orphanet 26106, MedGen C1708349, MONDO:0007648, OMIM 137215.
Hereditary cancer-predisposing syndrome. Also called: Hereditary Cancer Syndrome; Neoplastic Syndromes, Hereditary; Tumor predisposition; Hereditary neoplastic syndrome. Identifiers: Orphanet 140162, MedGen C0027672, MeSH D009386, MONDO:0015356.

Allele frequency attached by ClinVar (database versions not stated): gnomAD exomes below 0.00001; ExAC 0.00001; gnomAD 0.00002; TOPMed 0.00002.
gnomAD v4.1: 9 of 1,614,064 alleles (0.00056%); highest among the groups gnomAD compares: East Asian, 0.013%; no homozygotes.

Submissions (6):

Women's Health and Genetics/Laboratory Corporation of America, LabCorp
Classification: Likely benign. Last evaluated: 2026-01-21. Review status: criteria provided, single submitter. Criteria: LabCorp Variant Classification Summary - May 2015. Collection method: clinical testing. Allele origin: germline.

Labcorp Genetics (formerly Invitae), Labcorp
Classification: Likely benign for Hereditary diffuse gastric adenocarcinoma. Last evaluated: 2025-11-05. Review status: criteria provided, single submitter. Criteria: Invitae Variant Classification Sherloc (09022015). Collection method: clinical testing. Allele origin: germline.

Myriad Genetics, Inc.
Classification: Benign for Hereditary diffuse gastric adenocarcinoma. Last evaluated: 2024-09-13. Review status: criteria provided, single submitter. Criteria: Myriad Autosomal Dominant, Autosomal Recessive and X-Linked Classification Criteria (2023). Collection method: clinical testing. Allele origin: unknown.
Comment: This variant is considered benign. This variant is a silent/synonymous amino acid change and it is not expected to impact splicing.

Department of Pathology and Laboratory Medicine, Sinai Health System
Classification: Likely benign for Familial cancer of breast; Ovarian cancer. Last evaluated: 2022-12-06. Review status: criteria provided, single submitter. Criteria: ACMG Guidelines, 2015. Collection method: clinical testing. Allele origin: germline. Affected: yes.

Color Diagnostics, LLC DBA Color Health
Classification: Likely benign for Hereditary cancer-predisposing syndrome. Last evaluated: 2018-05-09. Review status: criteria provided, single submitter. Criteria: ACMG Guidelines, 2015. Collection method: clinical testing. Allele origin: germline.

Ambry Genetics
Classification: Likely benign for Hereditary cancer-predisposing syndrome. Last evaluated: 2014-12-04. Review status: criteria provided, single submitter. Criteria: Ambry Variant Classification Scheme 2023. Collection method: clinical testing. Allele origin: germline.